The following is an entry in ClinVar:

NM_005477.3(HCN4):c.338_352dup (p.Ser117_Ser118insThrGlySerGlySer)

Gene: HCN4 (hyperpolarization activated cyclic nucleotide gated potassium channel 4; minus strand). Cytogenetic location: 15q24.1.
Variant type: Duplication.
Coding change: c.338_352dup on transcript NM_005477.3 (MANE Select); coding-DNA positions 338 to 352, 15 bases duplicated (CGGGGAGCGGCAGCA).
Protein change: p.Ser117_Ser118insThrGlySerGlySer.
Molecular consequence: inframe insertion.
Genome position (GRCh38, 1-based): chr15:73,367,919-73,367,933, TGCTGCCGCTCCCCG duplicated on the plus strand (CGGGGAGCGGCAGCA on the coding strand, the reverse complement: HCN4 is on the minus strand); duplicating any 15 consecutive bases within chr15:73,367,919-73,367,936 gives the same sequence; the c. name uses the placement nearest the transcript's 3' end. VCF-style (leftmost placement, unchanged base first): chr15-73367918-C-CTGCTGCCGCTCCCCG. GRCh37 (hg19) VCF-style: chr15-73660259-C-CTGCTGCCGCTCCCCG.
Identifiers: ClinVar variation 1730816 (VCV001730816.5), dbSNP rs764196629, ClinGen allele CA7649481.

ClinVar aggregate classification (germline): Uncertain significance. Review status: criteria provided, multiple submitters, no conflicts (2 of 4 stars). 2 submissions from 2 submitters: Uncertain significance (2). Last evaluated 2023-08-11.

Conditions:
Brugada syndrome 8 (BRGDA8). Identifiers: Orphanet 130, MedGen C2751083, MONDO:0013148, OMIM 613123.
Cardiovascular phenotype. Identifiers: MedGen CN230736.

Submissions (2):

Labcorp Genetics (formerly Invitae), Labcorp
Classification: Uncertain significance for Brugada syndrome 8. Last evaluated: 2023-08-11. Review status: criteria provided, single submitter. Criteria: Invitae Variant Classification Sherloc (09022015). Collection method: clinical testing. Allele origin: germline.
Comment: In summary, the available evidence is currently insufficient to determine the role of this variant in disease. Therefore, it has been classified as a Variant of Uncertain Significance. ClinVar contains an entry for this variant (Variation ID: 1730816). This variant has not been reported in the literature in individuals affected with HCN4-related conditions. This variant is not present in population databases (gnomAD no frequency). This variant, c.338_352dup, results in the insertion of 5 amino acid(s) of the HCN4 protein (p.Thr113_Ser117dup), but otherwise preserves the integrity of the reading frame.

Ambry Genetics
Classification: Uncertain significance for Cardiovascular phenotype. Last evaluated: 2020-10-21. Review status: criteria provided, single submitter. Criteria: Ambry Variant Classification Scheme 2023. Collection method: clinical testing. Allele origin: germline.
Comment: The c.338_352dup15 variant (also known as p.T113_S117dup), located in coding exon 1 of the HCN4 gene, results from an in-frame duplication of 15 nucleotides at nucleotide positions 338 to 352. This results in the duplication of 5 extra residues (TGSGS) between codons 113 and 117. This amino acid position ranges from highly conserved to poorly conserved in available vertebrate species. Since supporting evidence is limited at this time, the clinical significance of this alteration remains unclear.